The following is an entry in ClinVar:

NM_000222.3(KIT):c.2281G>A (p.Glu761Lys)

Gene: KIT (KIT proto-oncogene, receptor tyrosine kinase; plus strand). Cytogenetic location: 4q12.
Variant type: single nucleotide variant.
Coding change: c.2281G>A on transcript NM_000222.3 (MANE Select); coding-DNA position 2281, G replaced by A.
Protein change: p.Glu761Lys; replaces glutamic acid 761 with lysine.
Molecular consequence: missense variant.
Genome position (GRCh38, 1-based): chr4:54,731,918, G>A. VCF-style: chr4-54731918-G-A. GRCh37 (hg19) VCF-style: chr4-55598084-G-A.
Other names: c.2269G>A, p.Glu757Lys (NM_001093772.2, NM_001385292.1); c.2284G>A, p.Glu762Lys (NM_001385284.1); c.2278G>A, p.Glu760Lys (NM_001385285.1); c.2266G>A, p.Glu756Lys (NM_001385286.1); c.2272G>A, p.Glu758Lys (NM_001385288.1); c.2281G>A, p.Glu761Lys (NM_001385290.1); short protein forms E761K, E757K, E756K, E758K, E760K, E762K.
Identifiers: ClinVar variation 658827 (VCV000658827.16), dbSNP rs746503007, ClinGen allele CA2923714.

ClinVar aggregate classification (germline): Conflicting classifications of pathogenicity. Review status: criteria provided, conflicting classifications (1 of 4 stars). 4 submissions from 4 submitters: Uncertain significance (3); Likely benign (1). Last evaluated 2026-05-29.

Conditions:
Hereditary cancer-predisposing syndrome. Also called: Neoplastic Syndromes, Hereditary; Tumor predisposition; Hereditary Cancer Syndrome; Hereditary neoplastic syndrome. Identifiers: Orphanet 140162, MedGen C0027672, MeSH D009386, MONDO:0015356.
Gastrointestinal stromal tumor. Also called: Gastrointestinal stromal tumor, somatic; Gastrointestinal stroma tumor. Identifiers: Orphanet 44890, MedGen C0238198, MeSH D046152, MONDO:0011719, OMIM 606764, HP:0100723.

Allele frequency attached by ClinVar (database versions not stated): ExAC 0.00001; gnomAD 0.00001 and 0.00002; gnomAD exomes 0.00001 and 0.00002; TOPMed 0.00002.
gnomAD v4.1: 24 of 1,613,624 alleles (0.0015%); highest among the groups gnomAD compares: South Asian, 0.0033%; no homozygotes.

Submissions (4):

Myriad Genetics, Inc.
Classification: Likely benign for Gastrointestinal stromal tumor. Last evaluated: 2026-05-29. Review status: criteria provided, single submitter. Criteria: Myriad Autosomal Dominant, Autosomal Recessive and X-Linked Classification Criteria (2023). Collection method: clinical testing. Allele origin: unknown.
Comment: This variant is considered likely benign. This variant has been observed at a population frequency that is significantly greater than expected given the associated disease prevalence and penetrance.

Labcorp Genetics (formerly Invitae), Labcorp
Classification: Uncertain significance for Gastrointestinal stromal tumor. Last evaluated: 2026-01-27. Review status: criteria provided, single submitter. Criteria: Invitae Variant Classification Sherloc (09022015). Collection method: clinical testing. Allele origin: germline.
Comment: This sequence change replaces glutamic acid, which is acidic and polar, with lysine, which is basic and polar, at codon 761 of the KIT protein (p.Glu761Lys). This variant is present in population databases (rs746503007, gnomAD 0.003%). This variant has not been reported in the literature in individuals affected with KIT-related conditions. ClinVar contains an entry for this variant (Variation ID: 658827). An algorithm developed to predict the effect of missense changes on protein structure and function (PolyPhen-2) suggests that this variant is likely to be disruptive. In summary, the available evidence is currently insufficient to determine the role of this variant in disease. Therefore, it has been classified as a Variant of Uncertain Significance.

Ambry Genetics
Classification: Uncertain significance for Hereditary cancer-predisposing syndrome. Last evaluated: 2025-11-15. Review status: criteria provided, single submitter. Criteria: Ambry Variant Classification Scheme 2023. Collection method: clinical testing. Allele origin: germline.
Comment: The p.E761K variant (also known as c.2281G>A), located in coding exon 16 of the KIT gene, results from a G to A substitution at nucleotide position 2281. The glutamic acid at codon 761 is replaced by lysine, an amino acid with similar properties. This amino acid position is well conserved in available vertebrate species. In addition, the in silico prediction for this alteration is inconclusive. Since supporting evidence is limited at this time, the clinical significance of this alteration remains unclear.

Baylor Genetics
Classification: Uncertain significance for Gastrointestinal stromal tumor. Last evaluated: 2023-09-29. Review status: criteria provided, single submitter. Criteria: ACMG Guidelines, 2015. Collection method: clinical testing. Allele origin: unknown.